The following is an entry in ClinVar:

NM_004415.4(DSP):c.3490A>T (p.Ile1164Phe)

Gene: DSP (desmoplakin; plus strand). Cytogenetic location: 6p24.3.
Variant type: single nucleotide variant.
Coding change: c.3490A>T on transcript NM_004415.4 (MANE Select); coding-DNA position 3490, A replaced by T.
Protein change: p.Ile1164Phe; replaces isoleucine 1164 with phenylalanine.
Molecular consequence: missense variant.
Genome position (GRCh38, 1-based): chr6:7,579,680, A>T. VCF-style: chr6-7579680-A-T. GRCh37 (hg19) VCF-style: chr6-7579913-A-T.
Other names: c.3490A>T, p.Ile1164Phe (NM_001008844.3, NM_001319034.2); short protein forms I1164F.
Identifiers: ClinVar variation 4757041 (VCV004757041.1).
Genomic context (GRCh38, chr6:7,579,680, plus strand): 5'-AAAGCAAGGCAATGTGAAAAGGAGAACCTTGGTTGGCAGAAATTAGAGTCTGAGAAAGCC[A>T]TCAAGGAGAAGGAGTACGAGATTGAAAGGTTGAGGGTTCTACTGCAGGAAGAAGGCACCC-3'
Protein context (NP_004406.2, residues 1154-1174): GWQKLESEKA[Ile1164Phe]KEKEYEIERL

ClinVar aggregate classification (germline): Uncertain significance (1 of 4 stars; one submission).

Conditions:
Cardiomyopathy (CMYO). Also called: Cardiomyopathies. Identifiers: Orphanet 167848, MedGen C0878544, MONDO:0004994, HP:0001638. Inheritance: Various modes of inheritance.

Submission:

Color Diagnostics, LLC DBA Color Health
Classification: Uncertain significance for Cardiomyopathy. Last evaluated: 2025-06-09. Review status: criteria provided, single submitter. Criteria: ACMG Guidelines, 2015. Collection method: clinical testing. Allele origin: germline.
Comment: This missense variant replaces isoleucine with phenylalanine at codon 1164 of the DSP protein. Computational prediction suggests that this variant may not impact protein structure and function. To our knowledge, functional studies have not been reported for this variant. This variant has not been reported in individuals affected with DSP-related disorders in the literature. This variant has not been identified in the general population by the Genome Aggregation Database (gnomAD). The available evidence is insufficient to determine the role of this variant in disease conclusively. Therefore, this variant is classified as a Variant of Uncertain Significance.